The following is an entry in ClinVar:

NM_006231.4(POLE):c.6147C>T (p.Thr2049=)

Gene: POLE (DNA polymerase epsilon, catalytic subunit; minus strand). Cytogenetic location: 12q24.33.
Variant type: single nucleotide variant.
Coding change: c.6147C>T on transcript NM_006231.4 (MANE Select); coding-DNA position 6147, C replaced by T.
Protein change: p.Thr2049=; no amino-acid change (threonine 2049 retained).
Molecular consequence: synonymous variant.
Genome position (GRCh38, 1-based): chr12:132,632,498, G>A on the plus strand (C>T on the coding strand, the complement: POLE is on the minus strand). VCF-style: chr12-132632498-G-A. GRCh37 (hg19) VCF-style: chr12-133209084-G-A.
Identifiers: ClinVar variation 4141201 (VCV004141201.1).

ClinVar aggregate classification (germline): Uncertain significance (1 of 4 stars; one submission).

Conditions:
Hereditary cancer-predisposing syndrome. Also called: Hereditary neoplastic syndrome; Neoplastic Syndromes, Hereditary; Tumor predisposition; Hereditary Cancer Syndrome. Identifiers: Orphanet 140162, MedGen C0027672, MeSH D009386, MONDO:0015356.

Submission:

Ambry Genetics
Classification: Uncertain significance for Hereditary cancer-predisposing syndrome. Last evaluated: 2025-08-21. Review status: criteria provided, single submitter. Criteria: Ambry Variant Classification Scheme 2023. Collection method: clinical testing. Allele origin: germline.
Comment: The c.6147C>T variant (also known as p.T2049T), located in coding exon 45 of the POLE gene, results from a C to T substitution at nucleotide position 6147. This nucleotide substitution does not change the amino acid at codon 2049. This nucleotide position is not well conserved in available vertebrate species. In silico splice site analysis predicts that this alteration may weaken the native splice acceptor site. Based on the available evidence, the clinical significance of this variant remains unclear.